The following is an entry in ClinVar:

ClinVar aggregate classification (germline): Uncertain significance. Review status: criteria provided, multiple submitters, no conflicts (2 of 4 stars). 2 submissions from 2 submitters: Uncertain significance (2). Last evaluated 2021-11-03.

Conditions:
Hereditary cancer-predisposing syndrome. Also called: Hereditary Cancer Syndrome; Neoplastic Syndromes, Hereditary; Tumor predisposition; Hereditary neoplastic syndrome. Identifiers: Orphanet 140162, MedGen C0027672, MeSH D009386, MONDO:0015356.

Submissions (2):

Institute for Clinical Genetics, University Hospital TU Dresden, University Hospital TU Dresden
Classification: Uncertain significance. Last evaluated: 2021-11-03. Review status: criteria provided, single submitter. Criteria: ACMG Guidelines, 2015. Collection method: clinical testing. Allele origin: germline.

Ambry Genetics
Classification: Uncertain significance for Hereditary cancer-predisposing syndrome. Last evaluated: 2017-01-24. Review status: criteria provided, single submitter. Criteria: Ambry Variant Classification Scheme 2023. Collection method: clinical testing. Allele origin: germline.
Comment: The p.T425K variant (also known as c.1274C>A), located in coding exon 11 of the MRE11A gene, results from a C to A substitution at nucleotide position 1274. The threonine at codon 425 is replaced by lysine, an amino acid with similar properties. This amino acid position is not well conserved in available vertebrate species. In addition, this alteration is predicted to be tolerated by in silico analysis. Since supporting evidence is limited at this time, the clinical significance of this alteration remains unclear.

NM_005591.4(MRE11):c.1274C>A (p.Thr425Lys)

Gene: MRE11 (MRE11 double strand break repair nuclease; minus strand). Cytogenetic location: 11q21.
Variant type: single nucleotide variant.
Coding change: c.1274C>A on transcript NM_005591.4 (MANE Select); coding-DNA position 1274, C replaced by A.
Protein change: p.Thr425Lys; replaces threonine 425 with lysine.
Molecular consequence: missense variant.
Genome position (GRCh38, 1-based): chr11:94,460,988, G>T on the plus strand (C>A on the coding strand, the complement: MRE11 is on the minus strand). VCF-style: chr11-94460988-G-T. GRCh37 (hg19) VCF-style: chr11-94194154-G-T.
Other names: c.1274C>A, p.Thr425Lys (NM_001330347.2, NM_005590.4); short protein forms T425K.
Identifiers: ClinVar variation 479777 (VCV000479777.8), dbSNP rs777730625, ClinGen allele CA382372379.